The following is an entry in ClinVar:

ClinVar aggregate classification (germline): Uncertain significance (1 of 4 stars; one submission).

Conditions:
Arrhythmogenic right ventricular dysplasia 10. Also called: Arrhythmogenic Right Ventricular Dysplasia/Cardiomyopathy10; ARRHYTHMOGENIC RIGHT VENTRICULAR DYSPLASIA, FAMILIAL, 10; Arrhythmogenic right ventricular dysplasia/cardiomyopathy, type 10. Identifiers: MedGen C1857777, MONDO:0012434, OMIM 610193.

Submission:

Labcorp Genetics (formerly Invitae), Labcorp
Classification: Uncertain significance for Arrhythmogenic right ventricular dysplasia 10. Last evaluated: 2023-12-21. Review status: criteria provided, single submitter. Criteria: Invitae Variant Classification Sherloc (09022015). Collection method: clinical testing. Allele origin: germline.
Comment: This sequence change falls in intron 14 of the DSG2 gene. It does not directly change the encoded amino acid sequence of the DSG2 protein. It affects a nucleotide within the consensus splice site. This variant is not present in population databases (gnomAD no frequency). This variant has not been reported in the literature in individuals affected with DSG2-related conditions. Variants that disrupt the consensus splice site are a relatively common cause of aberrant splicing (PMID: 17576681, 9536098). Algorithms developed to predict the effect of sequence changes on RNA splicing suggest that this variant may disrupt the consensus splice site. In summary, the available evidence is currently insufficient to determine the role of this variant in disease. Therefore, it has been classified as a Variant of Uncertain Significance.

Literature cited by the submitters: PubMed 17576681; PubMed 9536098.

NM_001943.5(DSG2):c.2334+2dup

Genes: DSG2 (desmoglein 2; plus strand), DSG2-AS1 (DSG2 antisense RNA 1; minus strand). Cytogenetic location: 18q12.1.
Variant type: Duplication.
Coding change: c.2334+2dup on transcript NM_001943.5 (MANE Select); the canonical splice donor site of the intron after coding-DNA position 2334, one base duplicated (T; older notation c.2334+2dupT).
Molecular consequence: splice donor variant.
Genome position (GRCh38, 1-based): chr18:31,542,854, T duplicated. VCF-style (leftmost placement, unchanged base first): chr18-31542853-G-GT. GRCh37 (hg19) VCF-style: chr18-29122816-G-GT.
Identifiers: ClinVar variation 2891861 (VCV002891861.3), dbSNP rs2510920903, ClinGen allele CA2739268636.